The following is an entry in ClinVar:

ClinVar aggregate classification (germline): Uncertain significance (1 of 4 stars; one submission).

Conditions:
Inborn genetic diseases. Identifiers: MedGen C0950123, MeSH D030342.

gnomAD v4.1: 10 of 1,613,998 alleles (0.00062%); highest among the groups gnomAD compares: Non-Finnish European, 0.00085%; no homozygotes.

Submission:

Ambry Genetics
Classification: Uncertain significance for Inborn genetic diseases. Last evaluated: 2025-12-15. Review status: criteria provided, single submitter. Criteria: Ambry Variant Classification Scheme 2023. Collection method: clinical testing. Allele origin: germline.
Comment: The c.1973A>G (p.K658R) alteration is located in exon 17 (coding exon 17) of the CLPB gene. This alteration results from a A to G substitution at nucleotide position 1973, causing the lysine (K) at amino acid position 658 to be replaced by an arginine (R). Based on data from gnomAD, the G allele has an overall frequency of 0.001% (2/251382) total alleles studied. The highest observed frequency was 0.002% (2/113682) of European (non-Finnish) alleles. Based on insufficient or conflicting evidence, the clinical significance of this alteration remains unclear.

NM_001258392.3(CLPB):c.1883A>G (p.Lys628Arg)

Gene: CLPB (ClpB family mitochondrial disaggregase; minus strand). Cytogenetic location: 11q13.4.
Variant type: single nucleotide variant.
Coding change: c.1883A>G on transcript NM_001258392.3 (MANE Select); coding-DNA position 1883, A replaced by G.
Protein change: p.Lys628Arg; replaces lysine 628 with arginine.
Molecular consequence: missense variant.
Genome position (GRCh38, 1-based): chr11:72,293,518, T>C on the plus strand (A>G on the coding strand, the complement: CLPB is on the minus strand). VCF-style: chr11-72293518-T-C. GRCh37 (hg19) VCF-style: chr11-72004562-T-C.
Other names: c.1796A>G, p.Lys599Arg (NM_001258393.3); c.1838A>G, p.Lys613Arg (NM_001258394.3); c.1973A>G, p.Lys658Arg (NM_030813.6); short protein forms K613R, K628R, K658R, K599R.
Identifiers: ClinVar variation 4837396 (VCV004837396.1).